The following is an entry in ClinVar:

ClinVar aggregate classification (germline): Uncertain significance (1 of 4 stars; one submission).

Conditions:
Inborn genetic diseases. Identifiers: MedGen C0950123, MeSH D030342.

Submission:

Ambry Genetics
Classification: Uncertain significance for Inborn genetic diseases. Last evaluated: 2022-02-18. Review status: criteria provided, single submitter. Criteria: Ambry Variant Classification Scheme 2023. Collection method: clinical testing. Allele origin: germline.
Comment: The p.G2275S variant (also known as c.6823G>A), located in coding exon 40 of the ATR gene, results from a G to A substitution at nucleotide position 6823. The glycine at codon 2275 is replaced by serine, an amino acid with similar properties. This amino acid position is conserved. In addition, this alteration is predicted to be tolerated by in silico analysis. Since supporting evidence is limited at this time, the clinical significance of this alteration remains unclear.

NM_001184.4(ATR):c.6823G>A (p.Gly2275Ser)

Gene: ATR (ATR checkpoint kinase; minus strand). Cytogenetic location: 3q23.
Variant type: single nucleotide variant.
Coding change: c.6823G>A on transcript NM_001184.4 (MANE Select); coding-DNA position 6823, G replaced by A.
Protein change: p.Gly2275Ser; replaces glycine 2275 with serine.
Molecular consequence: missense variant.
Genome position (GRCh38, 1-based): chr3:142,466,398, C>T on the plus strand (G>A on the coding strand, the complement: ATR is on the minus strand). VCF-style: chr3-142466398-C-T. GRCh37 (hg19) VCF-style: chr3-142185240-C-T.
Other names: c.6631G>A, p.Gly2211Ser (NM_001354579.2); short protein forms G2275S, G2211S.
Identifiers: ClinVar variation 1755650 (VCV001755650.2), dbSNP rs2108273534, ClinGen allele CA354801568.
Genomic context (GRCh38, chr3:142,466,398, plus strand): 5'-CTGCAATATAGGCCCAATGTCCAGGAAATGGTTCATGGCTAGCATGGTTAGCATGGGTAC[C>T]CAGAATTGATGGAAGTGTAGGTATCATGACTGATTGTAGAGGAATGAGGATTTCACTAAA-3'
Protein context (NP_001175.2, residues 2265-2285): VMIPTLPSIL[Gly2275Ser]THANHASHEP